The following is an entry in ClinVar:

NM_144997.7(FLCN):c.323G>T (p.Ser108Ile)

Gene: FLCN (folliculin; minus strand). Cytogenetic location: 17p11.2.
Variant type: single nucleotide variant.
Coding change: c.323G>T on transcript NM_144997.7 (MANE Select); coding-DNA position 323, G replaced by T.
Protein change: p.Ser108Ile; replaces serine 108 with isoleucine.
Molecular consequence: missense variant.
Genome position (GRCh38, 1-based): chr17:17,226,249, C>A on the plus strand (G>T on the coding strand, the complement: FLCN is on the minus strand). VCF-style: chr17-17226249-C-A. GRCh37 (hg19) VCF-style: chr17-17129563-C-A.
Other names: c.323G>T, p.Ser108Ile (NM_001353229.2, NM_001353230.2, NM_001353231.2 and 1 more transcripts); short protein forms S108I.
Identifiers: ClinVar variation 2137934 (VCV002137934.5), dbSNP rs2145012002, ClinGen allele CA398534840.
Genomic context (GRCh38, chr17:17,226,249, plus strand): 5'-CTCCGGACACAGGCCTGGCGGACAATGCTGAAGAGCTGGGGGTGGCTGGGGTGCTGGTGG[C>A]TGACGTATTTAATGGAGGTCTCTTTATCATGGCTGATATATCCCGGGTGCCCTGCAGCAA-3'
Protein context (NP_659434.2, residues 98-118): HDKETSIKYV[Ser108Ile]HQHPSHPQLF

ClinVar aggregate classification (germline): Conflicting classifications of pathogenicity. Review status: criteria provided, conflicting classifications (1 of 4 stars). 2 submissions from 2 submitters: Pathogenic (1); Uncertain significance (1). Last evaluated 2025-03-12.

Conditions:
Hereditary cancer-predisposing syndrome. Also called: Tumor predisposition; Hereditary Cancer Syndrome; Hereditary neoplastic syndrome; Neoplastic Syndromes, Hereditary. Identifiers: Orphanet 140162, MedGen C0027672, MeSH D009386, MONDO:0015356.
Birt-Hogg-Dube syndrome. Also called: Birt Hogg Dubé syndrome. Identifiers: Orphanet 122, MedGen C0346010, MONDO:0800444.

Submissions (2):

Molecular Diagnostics Laboratory, Catalan Institute of Oncology
Classification: Pathogenic for Hereditary cancer-predisposing syndrome. Last evaluated: 2025-03-12. Review status: criteria provided, single submitter. Criteria: ACMG Guidelines, 2015. Collection method: clinical testing. Allele origin: germline.
Comment: PS4, PM2_Supporting, PP1_Strong, PP3_Moderate c.323G>T, located in exon 5 of the FLCN gene, is predicted to result in the substitution of serine by isoleucine at codon 108, p.(Ser108Ile). It is not present in the population database gnomAD v2.1.1, non cancer dataset (PM2_Supporting). The SpliceAI algorithm predicts no significant impact on splicing and the REVEL meta-predictor score for this variant (0.962) predict a pathogenic effect of the variant on protein function according Pejaver 2022 thresholds (PMID: 36413997) (PP3_Moderate). This variant has been reported in several individuals meeting Birt–Hogg–Dubé (BHD) criteria (PMID: 25519458, PMID 19785621 and internal data) (PS4) and co-segregates in affected individuals (at least 10 meiosis in two families, internal data)(PP1_Strong). To our knowledge, functional studies have not been reported for this variant. This variant has only been reported in ClinVar database (1x uncertain significance) and in the LOVD database (1x likely pathogenic, 1x pathogenic). Based on currently available information, the variant c.323G>T classified as pathogenic variant according to ACMG guidelines.

Labcorp Genetics (formerly Invitae), Labcorp
Classification: Uncertain significance for Birt-Hogg-Dube syndrome. Last evaluated: 2023-08-10. Review status: criteria provided, single submitter. Criteria: Invitae Variant Classification Sherloc (09022015). Collection method: clinical testing. Allele origin: germline.
Comment: This sequence change replaces serine, which is neutral and polar, with isoleucine, which is neutral and non-polar, at codon 108 of the FLCN protein (p.Ser108Ile). This variant is not present in population databases (gnomAD no frequency). In summary, the available evidence is currently insufficient to determine the role of this variant in disease. Therefore, it has been classified as a Variant of Uncertain Significance. Advanced modeling of protein sequence and biophysical properties (such as structural, functional, and spatial information, amino acid conservation, physicochemical variation, residue mobility, and thermodynamic stability) performed at Invitae indicates that this missense variant is expected to disrupt FLCN protein function. ClinVar contains an entry for this variant (Variation ID: 2137934). This missense change has been observed in individual(s) with Birt-Hogg-Dubé syndrome (PMID: 19785621, 25519458).

Literature cited by the submitters: PubMed 19785621 (cited by Labcorp Genetics (formerly Invitae), Labcorp); PubMed 25519458 (cited by Labcorp Genetics (formerly Invitae), Labcorp).